The following is an entry in ClinVar:

ClinVar aggregate classification (germline): Uncertain significance (1 of 4 stars; one submission).

Allele frequency attached by ClinVar (database versions not stated): gnomAD exomes below 0.00001.
gnomAD v4.1: 3 of 1,612,838 alleles (0.00019%); highest among the groups gnomAD compares: South Asian, 0.0011%; no homozygotes.

Submission:

Labcorp Genetics (formerly Invitae), Labcorp
Classification: Uncertain significance. Last evaluated: 2022-12-02. Review status: criteria provided, single submitter. Criteria: Invitae Variant Classification Sherloc (09022015). Collection method: clinical testing. Allele origin: germline.
Comment: In summary, the available evidence is currently insufficient to determine the role of this variant in disease. Therefore, it has been classified as a Variant of Uncertain Significance. Advanced modeling of protein sequence and biophysical properties (such as structural, functional, and spatial information, amino acid conservation, physicochemical variation, residue mobility, and thermodynamic stability) performed at Invitae indicates that this missense variant is not expected to disrupt KIF11 protein function. ClinVar contains an entry for this variant (Variation ID: 940619). This variant has not been reported in the literature in individuals affected with KIF11-related conditions. This variant is present in population databases (no rsID available, gnomAD 0.0009%). This sequence change replaces serine, which is neutral and polar, with asparagine, which is neutral and polar, at codon 769 of the KIF11 protein (p.Ser769Asn).

NM_004523.4(KIF11):c.2306G>A (p.Ser769Asn)

Gene: KIF11 (kinesin family member 11; plus strand). Cytogenetic location: 10q23.33.
Variant type: single nucleotide variant.
Coding change: c.2306G>A on transcript NM_004523.4 (MANE Select); coding-DNA position 2306, G replaced by A.
Protein change: p.Ser769Asn; replaces serine 769 with asparagine.
Molecular consequence: missense variant.
Genome position (GRCh38, 1-based): chr10:92,645,401, G>A. VCF-style: chr10-92645401-G-A. GRCh37 (hg19) VCF-style: chr10-94405158-G-A.
Other names: short protein forms S769N.
Identifiers: ClinVar variation 940619 (VCV000940619.9), dbSNP rs1409610001, ClinGen allele CA377593924.